The following is an entry in ClinVar:

NM_003482.4(KMT2D):c.14333A>G (p.Lys4778Arg)

Gene: KMT2D (lysine methyltransferase 2D; minus strand). Cytogenetic location: 12q13.12.
Variant type: single nucleotide variant.
Coding change: c.14333A>G on transcript NM_003482.4 (MANE Select); coding-DNA position 14333, A replaced by G.
Protein change: p.Lys4778Arg; replaces lysine 4778 with arginine.
Molecular consequence: missense variant.
Genome position (GRCh38, 1-based): chr12:49,028,877, T>C on the plus strand (A>G on the coding strand, the complement: KMT2D is on the minus strand). VCF-style: chr12-49028877-T-C. GRCh37 (hg19) VCF-style: chr12-49422660-T-C.
Other names: short protein forms K4778R.
Identifiers: ClinVar variation 2716778 (VCV002716778.3), dbSNP rs2120387193, ClinGen allele CA384696084.

ClinVar aggregate classification (germline): Uncertain significance (1 of 4 stars; one submission).

Conditions:
Kabuki syndrome. Also called: Kabuki make-up syndrome; NIIKAWA-KUROKI SYNDROME. Identifiers: Orphanet 2322, MedGen C0796004, MONDO:0016512.

Submission:

Labcorp Genetics (formerly Invitae), Labcorp
Classification: Uncertain significance for Kabuki syndrome. Last evaluated: 2023-06-15. Review status: criteria provided, single submitter. Criteria: Invitae Variant Classification Sherloc (09022015). Collection method: clinical testing. Allele origin: germline.
Comment: In summary, the available evidence is currently insufficient to determine the role of this variant in disease. Therefore, it has been classified as a Variant of Uncertain Significance. Advanced modeling of protein sequence and biophysical properties (such as structural, functional, and spatial information, amino acid conservation, physicochemical variation, residue mobility, and thermodynamic stability) performed at Invitae indicates that this missense variant is not expected to disrupt KMT2D protein function. This variant has not been reported in the literature in individuals affected with KMT2D-related conditions. This variant is not present in population databases (gnomAD no frequency). This sequence change replaces lysine, which is basic and polar, with arginine, which is basic and polar, at codon 4778 of the KMT2D protein (p.Lys4778Arg).